The following is an entry in ClinVar:

NM_002069.6(GNAI1):c.362C>T (p.Ala121Val)

Gene: GNAI1 (G protein subunit alpha i1; plus strand). Cytogenetic location: 7q21.11.
Variant type: single nucleotide variant.
Coding change: c.362C>T on transcript NM_002069.6 (MANE Select); coding-DNA position 362, C replaced by T.
Protein change: p.Ala121Val; replaces alanine 121 with valine.
Molecular consequence: missense variant.
Genome position (GRCh38, 1-based): chr7:80,199,283, C>T. VCF-style: chr7-80199283-C-T. GRCh37 (hg19) VCF-style: chr7-79828599-C-T.
Other names: c.206C>T, p.Ala69Val (NM_001256414.2); short protein forms A121V, A69V.
Identifiers: ClinVar variation 2578540 (VCV002578540.2), dbSNP rs2484433537, ClinGen allele CA368011992.

ClinVar aggregate classification (germline): Conflicting classifications of pathogenicity. Review status: criteria provided, conflicting classifications (1 of 4 stars). 2 submissions from 2 submitters: Uncertain significance (1); Likely benign (1). Last evaluated 2024-09-20.

Conditions:
Neurodevelopmental disorder with hypotonia, impaired speech, and behavioral abnormalities (NEDHISB). Also called: GNAI1-Related Neurodevelopmental Disorder. Identifiers: MedGen C5676975, MONDO:0859243, OMIM 619854.

Submissions (2):

3billion
Classification: Likely benign for Neurodevelopmental disorder with hypotonia, impaired speech, and behavioral abnormalities. Last evaluated: 2024-09-20. Review status: criteria provided, single submitter. Criteria: ACMG Guidelines, 2015. Collection method: clinical testing. Allele origin: germline. Affected: no.
Comment: The variant was identified in at least one patient who was diagnosed with a different variant in another gene and showed no symptoms related to the gene containing the variant in question.

Institute of Human Genetics, Clinical Exome/Genome Diagnostics Group, University Hospital Bonn
Classification: Uncertain significance for Neurodevelopmental disorder with hypotonia, impaired speech, and behavioral abnormalities. Last evaluated: 2023-04-13. Review status: criteria provided, single submitter. Criteria: ACMG Guidelines, 2015. Collection method: clinical testing. Allele origin: germline.